The following is an entry in ClinVar:

ClinVar aggregate classification (germline): Pathogenic (1 of 4 stars; one submission).

Conditions:
Ataxia-telangiectasia syndrome (AT). Also called: Ataxia-telangiectasia; LOUIS-BAR SYNDROME; Ataxia-telangiectasia, complementation group D; AT, COMPLEMENTATION GROUP C; ATAXIA-TELANGIECTASIA, COMPLEMENTATION GROUP A; ATAXIA-TELANGIECTASIA, FRESNO VARIANT. Identifiers: Orphanet 100, MedGen C0004135, MONDO:0008840, OMIM 208900.

Submission:

Labcorp Genetics (formerly Invitae), Labcorp
Classification: Pathogenic for Ataxia-telangiectasia syndrome. Last evaluated: 2021-10-31. Review status: criteria provided, single submitter. Criteria: Invitae Variant Classification Sherloc (09022015). Collection method: clinical testing. Allele origin: germline.
Comment: This variant has not been reported in the literature in individuals affected with ATM-related conditions. For these reasons, this variant has been classified as Pathogenic. This variant is not present in population databases (gnomAD no frequency). This sequence change creates a premature translational stop signal (p.Asp2841Glyfs*7) in the ATM gene. It is expected to result in an absent or disrupted protein product. Loss-of-function variants in ATM are known to be pathogenic (PMID: 23807571, 25614872).

Literature cited by the submitters: PubMed 23807571; PubMed 25614872.

NM_000051.4(ATM):c.8516dup (p.Asp2841fs)

Genes: ATM (ATM serine/threonine kinase; plus strand), C11orf65 (chromosome 11 open reading frame 65; minus strand). Cytogenetic location: 11q22.3.
Variant type: Duplication.
Coding change: c.8516dup on transcript NM_000051.4 (MANE Select); coding-DNA position 8516, one base duplicated (T; older notation c.8516dupT).
Protein change: p.Asp2841fs; shifts the reading frame from aspartic acid 2841.
Molecular consequence: frameshift variant. On other transcripts: intron variant (2).
Genome position (GRCh38, 1-based): chr11:108,345,840, T duplicated; the last of 2 consecutive T bases (chr11:108,345,839-108,345,840); duplicating either gives the same sequence. VCF-style (leftmost placement, unchanged base first): chr11-108345838-A-AT. GRCh37 (hg19) VCF-style: chr11-108216565-A-AT.
Other names: c.8516dup, p.Asp2841fs (NM_001351834.2); c.641-36768dup (NM_001330368.2); c.695-10547dup (NM_001351110.2); short protein forms D2841fs.
Identifiers: ClinVar variation 1431470 (VCV001431470.8), dbSNP rs2137032635, ClinGen allele CA2573146453.